The following is an entry in ClinVar:

ClinVar aggregate classification (germline): Uncertain significance. Review status: criteria provided, multiple submitters, no conflicts (2 of 4 stars). 2 submissions from 2 submitters: Uncertain significance (2). Last evaluated 2026-04-28.

Conditions:
Hereditary cancer-predisposing syndrome. Also called: Hereditary neoplastic syndrome; Neoplastic Syndromes, Hereditary; Tumor predisposition; Hereditary Cancer Syndrome. Identifiers: Orphanet 140162, MedGen C0027672, MeSH D009386, MONDO:0015356.
Cardiovascular phenotype. Identifiers: MedGen CN230736.
Neurofibromatosis, type 1 (NF1). Also called: NEUROFIBROMATOSIS, TYPE I, SOMATIC; Peripheral type neurofibromatosis; VON RECKLINGHAUSEN DISEASE; Neurofibromatosis, type I. Identifiers: Orphanet 636, MedGen C0027831, MONDO:0018975, OMIM 162200. Disease mechanism: loss of function.

Submissions (2):

Ambry Genetics
Classification: Uncertain significance for Cardiovascular phenotype; Hereditary cancer-predisposing syndrome. Last evaluated: 2026-04-28. Review status: criteria provided, single submitter. Criteria: Ambry Variant Classification Scheme 2023. Collection method: clinical testing. Allele origin: germline.
Comment: The p.E2123A variant (also known as c.6368A>C), located in coding exon 42 of the NF1 gene, results from an A to C substitution at nucleotide position 6368. The glutamic acid at codon 2123 is replaced by alanine, an amino acid with dissimilar properties. This amino acid position is highly conserved in available vertebrate species. In addition, this alteration is predicted to be deleterious by in silico analysis. Based on the available evidence, the clinical significance of this variant remains unclear.

Labcorp Genetics (formerly Invitae), Labcorp
Classification: Uncertain significance for Neurofibromatosis, type 1. Last evaluated: 2025-06-10. Review status: criteria provided, single submitter. Criteria: Invitae Variant Classification Sherloc (09022015). Collection method: clinical testing. Allele origin: germline.
Comment: This sequence change replaces glutamic acid, which is acidic and polar, with alanine, which is neutral and non-polar, at codon 2123 of the NF1 protein (p.Glu2123Ala). This variant is not present in population databases (gnomAD no frequency). This variant has not been reported in the literature in individuals affected with NF1-related conditions. Invitae Evidence Modeling of protein sequence and biophysical properties (such as structural, functional, and spatial information, amino acid conservation, physicochemical variation, residue mobility, and thermodynamic stability) indicates that this missense variant is expected to disrupt NF1 protein function with a positive predictive value of 95%. In summary, the available evidence is currently insufficient to determine the role of this variant in disease. Therefore, it has been classified as a Variant of Uncertain Significance.

NM_001042492.3(NF1):c.6431A>C (p.Glu2144Ala)

Gene: NF1 (neurofibromin 1; plus strand). Cytogenetic location: 17q11.2.
Variant type: single nucleotide variant.
Coding change: c.6431A>C on transcript NM_001042492.3 (MANE Select); coding-DNA position 6431, A replaced by C.
Protein change: p.Glu2144Ala; replaces glutamic acid 2144 with alanine.
Molecular consequence: missense variant.
Genome position (GRCh38, 1-based): chr17:31,337,371, A>C. VCF-style: chr17-31337371-A-C. GRCh37 (hg19) VCF-style: chr17-29664389-A-C.
Other names: c.6368A>C, p.Glu2123Ala (NM_000267.4); short protein forms E2123A, E2144A.
Identifiers: ClinVar variation 4800791 (VCV004800791.2).
Genomic context (GRCh38, chr17:31,337,371, plus strand): 5'-TTTAGAAATTAAAAAGTAATATTTTCTGTCTTTACTTGTTCCTTTATTCTCTTACAGAAG[A>C]GACCAAGCAAGTTTTGAGACTCAGTCTGACAGAGTTCTCATTACCCAAATTTTACTTGCT-3'
Protein context (NP_001035957.1, residues 2134-2154): CTCSQLHFSE[Glu2144Ala]TKQVLRLSLT